The following is an entry in ClinVar:

ClinVar aggregate classification (germline): Uncertain significance. Review status: criteria provided, multiple submitters, no conflicts (2 of 4 stars). 3 submissions from 3 submitters: Uncertain significance (3). Last evaluated 2025-10-24.

Conditions:
Hereditary cancer-predisposing syndrome. Also called: Tumor predisposition; Hereditary neoplastic syndrome; Neoplastic Syndromes, Hereditary; Hereditary Cancer Syndrome. Identifiers: Orphanet 140162, MedGen C0027672, MeSH D009386, MONDO:0015356.
Ataxia-telangiectasia syndrome (AT). Also called: Ataxia-telangiectasia, complementation group D; AT, COMPLEMENTATION GROUP C; ATAXIA-TELANGIECTASIA, COMPLEMENTATION GROUP A; ATAXIA-TELANGIECTASIA, FRESNO VARIANT; Ataxia-telangiectasia; LOUIS-BAR SYNDROME. Identifiers: Orphanet 100, MedGen C0004135, MONDO:0008840, OMIM 208900.

Submissions (3):

Labcorp Genetics (formerly Invitae), Labcorp
Classification: Uncertain significance for Ataxia-telangiectasia syndrome. Last evaluated: 2025-10-24. Review status: criteria provided, single submitter. Criteria: Invitae Variant Classification Sherloc (09022015). Collection method: clinical testing. Allele origin: germline.
Comment: This sequence change replaces alanine, which is neutral and non-polar, with proline, which is neutral and non-polar, at codon 2102 of the ATM protein (p.Ala2102Pro). This variant is not present in population databases (gnomAD no frequency). This variant has not been reported in the literature in individuals affected with ATM-related conditions. ClinVar contains an entry for this variant (Variation ID: 633057). Invitae Evidence Modeling of protein sequence and biophysical properties (such as structural, functional, and spatial information, amino acid conservation, physicochemical variation, residue mobility, and thermodynamic stability) has been performed for this missense variant. However, the output from this modeling did not meet the statistical confidence thresholds required to predict the impact of this variant on ATM protein function. In summary, the available evidence is currently insufficient to determine the role of this variant in disease. Therefore, it has been classified as a Variant of Uncertain Significance.

Ambry Genetics
Classification: Uncertain significance for Hereditary cancer-predisposing syndrome. Last evaluated: 2021-01-04. Review status: criteria provided, single submitter. Criteria: Ambry Variant Classification Scheme 2023. Collection method: clinical testing. Allele origin: germline.
Comment: The p.A2102P variant (also known as c.6304G>C), located in coding exon 42 of the ATM gene, results from a G to C substitution at nucleotide position 6304. The alanine at codon 2102 is replaced by proline, an amino acid with highly similar properties. This amino acid position is highly conserved in available vertebrate species. In addition, this alteration is predicted to be deleterious by in silico analysis. Since supporting evidence is limited at this time, the clinical significance of this alteration remains unclear.

Women's Health and Genetics/Laboratory Corporation of America, LabCorp
Classification: Uncertain significance. Last evaluated: 2018-05-11. Review status: criteria provided, single submitter. Criteria: LabCorp Variant Classification Summary - May 2015. Collection method: clinical testing. Allele origin: germline.
Comment: Variant summary: ATM c.6304G>C (p.Ala2102Pro) results in a non-conservative amino acid change located in the PIK-related kinase, FAT of the encoded protein sequence. Five of five in-silico tools predict a damaging effect of the variant on protein function. The variant was absent in 121368 control chromosomes. The available data on variant occurrences in the general population are insufficient to allow any conclusion about variant significance. To our knowledge, no occurrence of c.6304G>C in individuals affected with Ataxia-Telangiectasia and no experimental evidence demonstrating its impact on protein function have been reported. No clinical diagnostic laboratories have submitted clinical-significance assessments for this variant to ClinVar after 2014. Based on the evidence outlined above, the variant was classified as uncertain significance.

NM_000051.4(ATM):c.6304G>C (p.Ala2102Pro)

Genes: C11orf65 (chromosome 11 open reading frame 65; minus strand), ATM (ATM serine/threonine kinase; plus strand). Cytogenetic location: 11q22.3.
Variant type: single nucleotide variant.
Coding change: c.6304G>C on transcript NM_000051.4 (MANE Select); coding-DNA position 6304, G replaced by C.
Protein change: p.Ala2102Pro; replaces alanine 2102 with proline.
Molecular consequence: missense variant. On other transcripts: intron variant (2).
Genome position (GRCh38, 1-based): chr11:108,317,478, G>C. VCF-style: chr11-108317478-G-C. GRCh37 (hg19) VCF-style: chr11-108188205-G-C.
Other names: c.6304G>C, p.Ala2102Pro (NM_001351834.2); c.641-8407C>G (NM_001330368.2); c.*39-8407C>G (NM_001351110.2); short protein forms A2102P.
Identifiers: ClinVar variation 633057 (VCV000633057.7), dbSNP rs1565503340, ClinGen allele CA382552124.
Genomic context (GRCh38, chr11:108,317,478, plus strand): 5'-AAAGGATTGGATTATGAAAATAAAGACTGGTGTCCTGAACTAGAAGAACTTCATTACCAA[G>C]CAGCATGGAGGAATATGCAGTGGGACCATTGCACTTCCGTCAGGTAAGAAATTTGACTTG-3'
Protein context (NP_000042.3, residues 2092-2112): CPELEELHYQ[Ala2102Pro]AWRNMQWDHC